The following is an entry in ClinVar:

ClinVar aggregate classification (germline): Uncertain significance (1 of 4 stars; one submission).

Conditions:
Combined immunodeficiency due to LRBA deficiency. Also called: Common variable immunodeficiency 8, with autoimmunity. Identifiers: Orphanet 445018, MedGen C3553512, MONDO:0013863, OMIM 614700.

Allele frequency attached by ClinVar (database versions not stated): gnomAD 0.00001; gnomAD exomes 0.00001; TOPMed 0.00001.
gnomAD v4.1: 20 of 1,607,344 alleles (0.0012%); highest among the groups gnomAD compares: Non-Finnish European, 0.0015%; no homozygotes.

Submission:

Labcorp Genetics (formerly Invitae), Labcorp
Classification: Uncertain significance for Combined immunodeficiency due to LRBA deficiency. Last evaluated: 2022-08-01. Review status: criteria provided, single submitter. Criteria: Invitae Variant Classification Sherloc (09022015). Collection method: clinical testing. Allele origin: germline.
Comment: Algorithms developed to predict the effect of missense changes on protein structure and function are either unavailable or do not agree on the potential impact of this missense change (SIFT: "Tolerated"; PolyPhen-2: "Probably Damaging"; Align-GVGD: "Class C0"). In summary, the available evidence is currently insufficient to determine the role of this variant in disease. Therefore, it has been classified as a Variant of Uncertain Significance. This variant has not been reported in the literature in individuals affected with LRBA-related conditions. This variant is not present in population databases (gnomAD no frequency). This sequence change replaces valine, which is neutral and non-polar, with isoleucine, which is neutral and non-polar, at codon 696 of the LRBA protein (p.Val696Ile).

NM_001364905.1(LRBA):c.2086G>A (p.Val696Ile)

Gene: LRBA (LPS responsive beige-like anchor protein; minus strand). Cytogenetic location: 4q31.3.
Variant type: single nucleotide variant.
Coding change: c.2086G>A on transcript NM_001364905.1 (MANE Select); coding-DNA position 2086, G replaced by A.
Protein change: p.Val696Ile; replaces valine 696 with isoleucine.
Molecular consequence: missense variant.
Genome position (GRCh38, 1-based): chr4:150,893,131, C>T on the plus strand (G>A on the coding strand, the complement: LRBA is on the minus strand). VCF-style: chr4-150893131-C-T. GRCh37 (hg19) VCF-style: chr4-151814283-C-T.
Other names: c.2086G>A, p.Val696Ile (NM_001199282.3, NM_001367550.1, NM_006726.5); short protein forms V696I.
Identifiers: ClinVar variation 1966143 (VCV001966143.5), dbSNP rs1228015484, ClinGen allele CA358428979.
Genomic context (GRCh38, chr4:150,893,131, plus strand): 5'-CAAAAGCAGGAATCATAGAGTTAGGGTGTTCTGACATTAATGCAACAAGCAGCTGTAGGA[C>T]ATCCATTAGATTGTCATCCTATAATCATTTTAGAAATTTTTTTTAAAAAATGAGGAAAAA-3'
Protein context (NP_001351834.1, residues 686-706): TMHEDDNLMD[Val696Ile]LQLLVALMSE